The following is an entry in ClinVar:

NM_030665.4(RAI1):c.5628C>T (p.His1876=)

Gene: RAI1 (retinoic acid induced 1; plus strand). Cytogenetic location: 17p11.2.
Variant type: single nucleotide variant.
Coding change: c.5628C>T on transcript NM_030665.4 (MANE Select); coding-DNA position 5628, C replaced by T.
Protein change: p.His1876=; no amino-acid change (histidine 1876 retained).
Molecular consequence: synonymous variant.
Genome position (GRCh38, 1-based): chr17:17,803,818, C>T. VCF-style: chr17-17803818-C-T. GRCh37 (hg19) VCF-style: chr17-17707132-C-T.
Other names: c.5628C>T (NM_030665.3).
Identifiers: ClinVar variation 1958396 (VCV001958396.6), dbSNP rs1440125357, ClinGen allele CA498190954.
Genomic context (GRCh38, chr17:17,803,818, plus strand): 5'-GTGTTCCAGCTGCCAAGAAGCCGGGGCCACCATTGGGTGCTGCCACAAAGGATGCCTCCA[C>T]ACCTACCACTACCCGTGTGCCAGCGATGCAGGTACGAGCCCGCCCAGGAACAGGAGGGCA-3'
Protein context (NP_109590.3, residues 1866-1886): TIGCCHKGCL[His1876=]TYHYPCASDA

ClinVar aggregate classification (germline): Likely benign. Review status: criteria provided, single submitter (1 of 4 stars). 2 submissions from 2 submitters: Likely benign (1). 1 of the submissions does not count toward it. Last evaluated 2023-08-24.

Conditions:
RAI1-related disorder. Also called: RAI1-related condition.

Allele frequency attached by ClinVar (database versions not stated): gnomAD exomes below 0.00001; TOPMed below 0.00001; gnomAD 0.00001.
gnomAD v4.1: 2 of 1,613,428 alleles (0.00012%); highest among the groups gnomAD compares: Non-Finnish European, 0.00017%; no homozygotes.

Submissions (2):

Labcorp Genetics (formerly Invitae), Labcorp
Classification: Likely benign. Last evaluated: 2023-08-24. Review status: criteria provided, single submitter. Criteria: Invitae Variant Classification Sherloc (09022015). Collection method: clinical testing. Allele origin: germline.

PreventionGenetics, part of Exact Sciences
Classification: Likely benign for RAI1-related condition. Last evaluated: 2023-09-13. Review status: no assertion criteria provided. Collection method: clinical testing. Allele origin: germline. Not counted in ClinVar's aggregate classification.
Comment: This variant is classified as likely benign based on ACMG/AMP sequence variant interpretation guidelines (Richards et al. 2015 PMID: 25741868, with internal and published modifications).